The following is an entry in ClinVar:

ClinVar aggregate classification (germline): Uncertain significance (1 of 4 stars; one submission).

Conditions:
Glucose-6-phosphate transport defect (GSD1B). Also called: Glycogen Storage Disease Type Ib; GSD Ib. Identifiers: Orphanet 364, Orphanet 79259, MedGen C0268146, MONDO:0009288, OMIM 232220.

Allele frequency attached by ClinVar (database versions not stated): TOPMed below 0.00001.

Submission:

Labcorp Genetics (formerly Invitae), Labcorp
Classification: Uncertain significance for Glucose-6-phosphate transport defect. Last evaluated: 2024-10-22. Review status: criteria provided, single submitter. Criteria: Invitae Variant Classification Sherloc (09022015). Collection method: clinical testing. Allele origin: germline.
Comment: This sequence change replaces lysine, which is basic and polar, with arginine, which is basic and polar, at codon 208 of the SLC37A4 protein (p.Lys208Arg). This variant is not present in population databases (gnomAD no frequency). This variant has not been reported in the literature in individuals affected with SLC37A4-related conditions. Experimental studies and prediction algorithms are not available or were not evaluated, and the functional significance of this variant is currently unknown. Algorithms developed to predict the effect of sequence changes on RNA splicing suggest that this variant may disrupt the consensus splice site. In summary, the available evidence is currently insufficient to determine the role of this variant in disease. Therefore, it has been classified as a Variant of Uncertain Significance.

NM_001164277.2(SLC37A4):c.623A>G (p.Lys208Arg)

Gene: SLC37A4 (solute carrier family 37 member 4; minus strand). Cytogenetic location: 11q23.3.
Variant type: single nucleotide variant.
Coding change: c.623A>G on transcript NM_001164277.2 (MANE Select); coding-DNA position 623, A replaced by G.
Protein change: p.Lys208Arg; replaces lysine 208 with arginine.
Molecular consequence: missense variant.
Genome position (GRCh38, 1-based): chr11:119,027,630, T>C on the plus strand (A>G on the coding strand, the complement: SLC37A4 is on the minus strand). VCF-style: chr11-119027630-T-C. GRCh37 (hg19) VCF-style: chr11-118898340-T-C.
Other names: c.623A>G, p.Lys208Arg (NM_001164278.2, NM_001164280.2, NM_001467.6); c.404A>G, p.Lys135Arg (NM_001164279.2); short protein forms K208R, K135R.
Identifiers: ClinVar variation 2828544 (VCV002828544.3), dbSNP rs1943610453, ClinGen allele CA382901806.